The following is an entry in ClinVar:

ClinVar aggregate classification (germline): Uncertain significance (1 of 4 stars; one submission).

Conditions:
KNL1-related disorder. Also called: KNL1-related condition.

Submission:

PreventionGenetics, part of Exact Sciences
Classification: Uncertain significance for KNL1-related condition. Last evaluated: 2025-09-15. Review status: criteria provided, single submitter. Criteria: ACMG Guidelines, 2015. Collection method: clinical testing. Allele origin: germline.
Comment: The KNL1 c.4279A>G variant is predicted to result in the amino acid substitution p.Asn1427Asp. To our knowledge, this variant has not been reported in the literature or in a large population database (gnomAD), indicating this variant is rare. At this time, the clinical significance of this variant is uncertain due to the absence of conclusive functional and genetic evidence.

NM_144508.5(KNL1):c.4201A>G (p.Asn1401Asp)

Gene: KNL1 (kinetochore scaffold 1; plus strand). Cytogenetic location: 15q15.1.
Variant type: single nucleotide variant.
Coding change: c.4201A>G on transcript NM_144508.5 (MANE Select); coding-DNA position 4201, A replaced by G.
Protein change: p.Asn1401Asp; replaces asparagine 1401 with aspartic acid.
Molecular consequence: missense variant.
Genome position (GRCh38, 1-based): chr15:40,624,465, A>G. VCF-style: chr15-40624465-A-G. GRCh37 (hg19) VCF-style: chr15-40916663-A-G.
Other names: c.4279A>G, p.Asn1427Asp (NM_170589.5); short protein forms N1401D, N1427D.
Identifiers: ClinVar variation 4992241 (VCV004992241.1).